The following is an entry in ClinVar:

NM_001378454.1(ALMS1):c.2714C>G (p.Ser905Cys)

Gene: ALMS1 (ALMS1 centrosome and basal body associated protein; plus strand). Cytogenetic location: 2p13.1.
Variant type: single nucleotide variant.
Coding change: c.2714C>G on transcript NM_001378454.1 (MANE Select); coding-DNA position 2714, C replaced by G.
Protein change: p.Ser905Cys; replaces serine 905 with cysteine.
Molecular consequence: missense variant.
Genome position (GRCh38, 1-based): chr2:73,449,241, C>G. VCF-style: chr2-73449241-C-G. GRCh37 (hg19) VCF-style: chr2-73676368-C-G.
Other names: c.2717C>G, p.Ser906Cys (NM_015120.4); short protein forms S906C, S905C.
Identifiers: ClinVar variation 1399495 (VCV001399495.7), dbSNP rs748479099, ClinGen allele CA50391879.

ClinVar aggregate classification (germline): Uncertain significance. Review status: criteria provided, multiple submitters, no conflicts (2 of 4 stars). 4 submissions from 4 submitters: Uncertain significance (4). Last evaluated 2024-09-19.

Conditions:
Cardiovascular phenotype. Identifiers: MedGen CN230736.
Alstrom syndrome (ALMS). Identifiers: Orphanet 64, MedGen C0268425, MONDO:0008763, OMIM 203800.

Allele frequency attached by ClinVar (database versions not stated): gnomAD exomes 0.00001 and 0.00007; TOPMed 0.00002; gnomAD 0.00003.
gnomAD v4.1: 101 of 1,614,022 alleles (0.0063%); highest among the groups gnomAD compares: Non-Finnish European, 0.0085%; no homozygotes.

Submissions (4):

GeneDx
Classification: Uncertain significance. Last evaluated: 2024-09-19. Review status: criteria provided, single submitter. Criteria: GeneDx Variant Classification Process June 2021. Collection method: clinical testing. Allele origin: germline. Affected: yes.
Comment: Not observed at significant frequency in large population cohorts (gnomAD); In silico analysis indicates that this missense variant does not alter protein structure/function; Has not been previously published as pathogenic or benign to our knowledge

Ambry Genetics
Classification: Uncertain significance for Cardiovascular phenotype. Last evaluated: 2023-09-07. Review status: criteria provided, single submitter. Criteria: Ambry Variant Classification Scheme 2023. Collection method: clinical testing. Allele origin: germline.
Comment: The p.S906C variant (also known as c.2717C>G), located in coding exon 8 of the ALMS1 gene, results from a C to G substitution at nucleotide position 2717. The serine at codon 906 is replaced by cysteine, an amino acid with dissimilar properties. This amino acid position is highly conserved in available vertebrate species. In addition, this alteration is predicted to be tolerated by in silico analysis. Since supporting evidence is limited at this time, the clinical significance of this alteration remains unclear.

Labcorp Genetics (formerly Invitae), Labcorp
Classification: Uncertain significance for Alstrom syndrome. Last evaluated: 2022-08-16. Review status: criteria provided, single submitter. Criteria: Invitae Variant Classification Sherloc (09022015). Collection method: clinical testing. Allele origin: germline.
Comment: This sequence change replaces serine, which is neutral and polar, with cysteine, which is neutral and slightly polar, at codon 906 of the ALMS1 protein (p.Ser906Cys). This variant is present in population databases (rs748479099, gnomAD 0.002%). This variant has not been reported in the literature in individuals affected with ALMS1-related conditions. ClinVar contains an entry for this variant (Variation ID: 1399495). Experimental studies and prediction algorithms are not available or were not evaluated, and the functional significance of this variant is currently unknown. In summary, the available evidence is currently insufficient to determine the role of this variant in disease. Therefore, it has been classified as a Variant of Uncertain Significance.

Fulgent Genetics
Classification: Uncertain significance for Alstrom syndrome. Last evaluated: 2021-10-01. Review status: criteria provided, single submitter. Criteria: ACMG Guidelines, 2015. Collection method: clinical testing. Allele origin: unknown.